The following is an entry in ClinVar:

NM_000222.3(KIT):c.2309T>G (p.Leu770Arg)

Gene: KIT (KIT proto-oncogene, receptor tyrosine kinase; plus strand). Cytogenetic location: 4q12.
Variant type: single nucleotide variant.
Coding change: c.2309T>G on transcript NM_000222.3 (MANE Select); coding-DNA position 2309, T replaced by G.
Protein change: p.Leu770Arg; replaces leucine 770 with arginine.
Molecular consequence: missense variant.
Genome position (GRCh38, 1-based): chr4:54,731,946, T>G. VCF-style: chr4-54731946-T-G. GRCh37 (hg19) VCF-style: chr4-55598112-T-G.
Other names: c.2297T>G, p.Leu766Arg (NM_001093772.2, NM_001385292.1); c.2312T>G, p.Leu771Arg (NM_001385284.1); c.2306T>G, p.Leu769Arg (NM_001385285.1); c.2294T>G, p.Leu765Arg (NM_001385286.1); c.2300T>G, p.Leu767Arg (NM_001385288.1); c.2309T>G, p.Leu770Arg (NM_001385290.1); short protein forms L765R, L771R, L769R, L766R, L767R, L770R.
Identifiers: ClinVar variation 4043773 (VCV004043773.1).

ClinVar aggregate classification (germline): Uncertain significance (1 of 4 stars; one submission).

Conditions:
Hereditary cancer-predisposing syndrome. Also called: Neoplastic Syndromes, Hereditary; Tumor predisposition; Hereditary neoplastic syndrome; Hereditary Cancer Syndrome. Identifiers: Orphanet 140162, MedGen C0027672, MeSH D009386, MONDO:0015356.

Submission:

Ambry Genetics
Classification: Uncertain significance for Hereditary cancer-predisposing syndrome. Last evaluated: 2025-06-06. Review status: criteria provided, single submitter. Criteria: Ambry Variant Classification Scheme 2023. Collection method: clinical testing. Allele origin: germline.
Comment: The p.L770R variant (also known as c.2309T>G), located in coding exon 16 of the KIT gene, results from a T to G substitution at nucleotide position 2309. The leucine at codon 770 is replaced by arginine, an amino acid with dissimilar properties. This amino acid position is conserved. In addition, this alteration is predicted to be deleterious by in silico analysis. Based on the available evidence, the clinical significance of this variant remains unclear.